The following is an entry in ClinVar:

ClinVar aggregate classification (germline): Uncertain significance (1 of 4 stars; one submission).

Submission:

GeneDx
Classification: Uncertain significance. Last evaluated: 2025-04-04. Review status: criteria provided, single submitter. Criteria: GeneDx Variant Classification Process June 2021. Collection method: clinical testing. Allele origin: germline. Affected: yes.
Comment: Not observed at significant frequency in large population cohorts (gnomAD); In silico analysis indicates that this missense variant does not alter protein structure/function; Also known as 1400T>C

NM_000059.4(BRCA2):c.1172T>C (p.Leu391Ser)

Gene: BRCA2 (BRCA2 DNA repair associated; plus strand). Cytogenetic location: 13q13.1.
Variant type: single nucleotide variant.
Coding change: c.1172T>C on transcript NM_000059.4 (MANE Select); coding-DNA position 1172, T replaced by C.
Protein change: p.Leu391Ser; replaces leucine 391 with serine.
Molecular consequence: missense variant. On other transcripts: non-coding transcript variant (1), intron variant (1).
Genome position (GRCh38, 1-based): chr13:32,332,650, T>C. VCF-style: chr13-32332650-T-C. GRCh37 (hg19) VCF-style: chr13-32906787-T-C.
Other names: c.1172T>C, p.Leu391Ser (NM_001406720.1, NM_001406721.1, NM_001432077.1 and 1 more transcripts); c.424+1620T>C (NM_001406722.1); short protein forms L391S.
Identifiers: ClinVar variation 4278665 (VCV004278665.1).